The following is an entry in ClinVar:

ClinVar aggregate classification (germline): Uncertain significance. Review status: criteria provided, multiple submitters, no conflicts (2 of 4 stars). 2 submissions from 2 submitters: Uncertain significance (2). Last evaluated 2024-06-12.

Conditions:
Inborn genetic diseases. Identifiers: MedGen C0950123, MeSH D030342.

Allele frequency attached by ClinVar (database versions not stated): ExAC 0.00001; gnomAD 0.00001; gnomAD exomes 0.00002; TOPMed 0.00003.
gnomAD v4.1: 34 of 1,613,670 alleles (0.0021%); highest among the groups gnomAD compares: African/African-American, 0.004%; no homozygotes.

Submissions (2):

Labcorp Genetics (formerly Invitae), Labcorp
Classification: Uncertain significance. Last evaluated: 2024-06-12. Review status: criteria provided, single submitter. Criteria: Invitae Variant Classification Sherloc (09022015). Collection method: clinical testing. Allele origin: germline.
Comment: This sequence change replaces arginine, which is basic and polar, with cysteine, which is neutral and slightly polar, at codon 435 of the CEP135 protein (p.Arg435Cys). This variant is present in population databases (rs762126710, gnomAD 0.007%). This variant has not been reported in the literature in individuals affected with CEP135-related conditions. ClinVar contains an entry for this variant (Variation ID: 2238748). An algorithm developed to predict the effect of missense changes on protein structure and function (PolyPhen-2) suggests that this variant is likely to be disruptive. In summary, the available evidence is currently insufficient to determine the role of this variant in disease. Therefore, it has been classified as a Variant of Uncertain Significance.

Ambry Genetics
Classification: Uncertain significance for Inborn genetic diseases. Last evaluated: 2021-07-20. Review status: criteria provided, single submitter. Criteria: Ambry Variant Classification Scheme 2023. Collection method: clinical testing. Allele origin: germline.

NM_025009.5(CEP135):c.1303C>T (p.Arg435Cys)

Gene: CEP135 (centrosomal protein 135; plus strand). Cytogenetic location: 4q12.
Variant type: single nucleotide variant.
Coding change: c.1303C>T on transcript NM_025009.5 (MANE Select); coding-DNA position 1303, C replaced by T.
Protein change: p.Arg435Cys; replaces arginine 435 with cysteine.
Molecular consequence: missense variant.
Genome position (GRCh38, 1-based): chr4:55,974,799, C>T. VCF-style: chr4-55974799-C-T. GRCh37 (hg19) VCF-style: chr4-56840965-C-T.
Other names: short protein forms R435C.
Identifiers: ClinVar variation 2238748 (VCV002238748.4), dbSNP rs762126710, ClinGen allele CA2927829.